The following is an entry in ClinVar:

ClinVar aggregate classification (germline): Uncertain significance (1 of 4 stars; one submission).

Conditions:
Dilated cardiomyopathy 1II (CMD1II). Identifiers: Orphanet 154, MedGen C3554649, MONDO:0014073, OMIM 615184.

Submission:

Labcorp Genetics (formerly Invitae), Labcorp
Classification: Uncertain significance for Dilated cardiomyopathy 1II. Last evaluated: 2023-03-16. Review status: criteria provided, single submitter. Criteria: Invitae Variant Classification Sherloc (09022015). Collection method: clinical testing. Allele origin: germline.
Comment: Experimental studies and prediction algorithms are not available or were not evaluated, and the functional significance of this variant is currently unknown. This variant has not been reported in the literature in individuals affected with CRYAB-related conditions. This variant is not present in population databases (gnomAD no frequency). This variant, c.82_84del, results in the deletion of 1 amino acid(s) of the CRYAB protein (p.Phe28del), but otherwise preserves the integrity of the reading frame. In summary, the available evidence is currently insufficient to determine the role of this variant in disease. Therefore, it has been classified as a Variant of Uncertain Significance.

NM_001289808.2(CRYAB):c.79TTC[1] (p.Phe28del)

Gene: CRYAB (crystallin alpha B; minus strand). Cytogenetic location: 11q23.1.
Variant type: Microsatellite.
Coding change: c.79TTC[1] on transcript NM_001289808.2 (MANE Select); one copy of the 3-base unit TTC starting at c.79; the reference has two copies in a row; one copy, 3 bases deleted.
Protein change: p.Phe28del; deletes phenylalanine 28.
Molecular consequence: inframe deletion.
Genome position (GRCh38, 1-based): chr11:111,911,641-111,911,643, GAA deleted on the plus strand (TTC on the coding strand, the reverse complement: CRYAB is on the minus strand); deleting any 3 consecutive bases within chr11:111,911,641-111,911,646 gives the same sequence; the position shown is the placement nearest the transcript's 3' end. VCF-style (leftmost placement, unchanged base first): chr11-111911640-CGAA-C. GRCh37 (hg19) VCF-style: chr11-111782364-CGAA-C.
Other names: c.79TTC[1], p.Phe28del (NM_001289807.1, NM_001368245.1, NM_001885.3); short protein forms F28del.
Identifiers: ClinVar variation 2815841 (VCV002815841.3), dbSNP rs2497885075, ClinGen allele CA2739271020.